The following is an entry in ClinVar:

ClinVar aggregate classification (germline): Uncertain significance. Review status: criteria provided, multiple submitters, no conflicts (2 of 4 stars). 2 submissions from 2 submitters: Uncertain significance (2). Last evaluated 2023-05-03.

Conditions:
Singleton-Merten syndrome 1 (SGMRT1). Also called: Widened medullary cavities of bone, aortic calcification, abnormal dentition, and muscular weakness; Syndrome of widened medullary cavities of the metacarpals and phalanges, aortic calcification and abnormal dentition. Identifiers: Orphanet 85191, MedGen C4225427, MONDO:0024535, OMIM 182250.
Aicardi-Goutieres syndrome 7 (AGS7). Identifiers: Orphanet 51, MedGen C3888244, MONDO:0014367, OMIM 615846.

Submissions (2):

GeneDx
Classification: Uncertain significance. Last evaluated: 2023-05-03. Review status: criteria provided, single submitter. Criteria: GeneDx Variant Classification Process June 2021. Collection method: clinical testing. Allele origin: germline. Affected: yes.
Comment: Not observed at significant frequency in large population cohorts (gnomAD); In silico analysis supports a deleterious effect on protein structure/function; Has not been previously published as pathogenic or benign to our knowledge

Labcorp Genetics (formerly Invitae), Labcorp
Classification: Uncertain significance for Aicardi-Goutieres syndrome 7; Singleton-Merten syndrome 1. Last evaluated: 2022-11-28. Review status: criteria provided, single submitter. Criteria: Invitae Variant Classification Sherloc (09022015). Collection method: clinical testing. Allele origin: germline.
Comment: This variant, c.2321_2323delinsGTT, is a complex sequence change that results in the deletion of 2 and insertion of 2 amino acid(s) in the IFIH1 protein (p.Val774_Ile775delinsGlyPhe). Information on the frequency of this variant in the gnomAD database is not available, as this variant may be reported differently in the database. This variant has not been reported in the literature in individuals affected with IFIH1-related conditions. ClinVar contains an entry for this variant (Variation ID: 1327298). Experimental studies and prediction algorithms are not available or were not evaluated, and the functional significance of this variant is currently unknown. In summary, the available evidence is currently insufficient to determine the role of this variant in disease. Therefore, it has been classified as a Variant of Uncertain Significance.

NM_022168.4(IFIH1):c.2321_2323delinsGTT (p.Val774_Ile775delinsGlyPhe)

Gene: IFIH1 (interferon induced with helicase C domain 1; minus strand). Cytogenetic location: 2q24.2.
Variant type: Indel.
Coding change: c.2321_2323delinsGTT on transcript NM_022168.4 (MANE Select); coding-DNA positions 2321 to 2323, TCA replaced by GTT.
Protein change: p.Val774_Ile775delinsGlyPhe.
Molecular consequence: missense variant.
Genome position (GRCh38, 1-based): chr2:162,273,926-162,273,928, TGA replaced by AAC on the plus strand (TCA replaced by GTT on the coding strand, the reverse complement: IFIH1 is on the minus strand). VCF-style: chr2-162273926-TGA-AAC. GRCh37 (hg19) VCF-style: chr2-163130436-TGA-AAC.
Identifiers: ClinVar variation 1327298 (VCV001327298.10), dbSNP rs2105193797, ClinGen allele CA2573051685.